The following is an entry in ClinVar:

NM_003072.5(SMARCA4):c.4696_4698del (p.Lys1566del)

Gene: SMARCA4 (SWI/SNF related BAF chromatin remodeling complex subunit ATPase 4; plus strand). Cytogenetic location: 19p13.2.
Variant type: Deletion.
Coding change: c.4696_4698del on transcript NM_003072.5 (MANE Select); coding-DNA positions 4696 to 4698, 3 bases deleted (AAG; older notation c.4696_4698delAAG).
Protein change: p.Lys1566del; deletes lysine 1566.
Molecular consequence: inframe deletion. On other transcripts: non-coding transcript variant (1).
Genome position (GRCh38, 1-based): chr19:11,059,813-11,059,815, AAG deleted; deleting any 3 consecutive bases within chr19:11,059,811-11,059,815 gives the same sequence; the c. name uses the placement nearest the transcript's 3' end. VCF-style (leftmost placement, unchanged base first): chr19-11059810-GAGA-G. GRCh37 (hg19) VCF-style: chr19-11170486-GAGA-G.
Other names: c.4696_4698del, p.Lys1566del (NM_001128844.3); c.4606_4608del, p.Lys1536del (NM_001128845.2); c.4603_4605del, p.Lys1535del (NM_001128846.2); c.4597_4599del, p.Lys1533del (NM_001128847.4, NM_001374457.1); c.4594_4596del, p.Lys1532del (NM_001128848.2); c.4792_4794del, p.Lys1598del (NM_001128849.3, NM_001387283.1); c.4792_4794del (NM_001128849.1); short protein forms K1598del, K1532del, K1535del, K1566del, K1533del, K1536del.
Identifiers: ClinVar variation 537796 (VCV000537796.18), dbSNP rs1375203306, ClinGen allele CA631769751.

ClinVar aggregate classification (germline): Uncertain significance. Review status: criteria provided, multiple submitters, no conflicts (2 of 4 stars). 5 submissions from 5 submitters: Uncertain significance (5). Last evaluated 2024-05-26.

Conditions:
Hereditary cancer-predisposing syndrome. Also called: Tumor predisposition; Hereditary Cancer Syndrome; Hereditary neoplastic syndrome; Neoplastic Syndromes, Hereditary. Identifiers: Orphanet 140162, MedGen C0027672, MeSH D009386, MONDO:0015356.
Intellectual disability, autosomal dominant 16 (CSS4). Also called: COFFIN-SIRIS SYNDROME 4. Identifiers: Orphanet 1465, MedGen C3553249, MONDO:0013821, OMIM 614609.
Rhabdoid tumor predisposition syndrome 2 (RTPS2). Identifiers: Orphanet 231108, Orphanet 69077, MedGen C2750074, MONDO:0013224, OMIM 613325.

Submissions (5):

Labcorp Genetics (formerly Invitae), Labcorp
Classification: Uncertain significance for Rhabdoid tumor predisposition syndrome 2. Last evaluated: 2024-05-26. Review status: criteria provided, single submitter. Criteria: Invitae Variant Classification Sherloc (09022015). Collection method: clinical testing. Allele origin: germline.
Comment: This variant, c.4792_4794del, results in the deletion of 1 amino acid(s) of the SMARCA4 protein (p.Lys1598del), but otherwise preserves the integrity of the reading frame. This variant is present in population databases (no rsID available, gnomAD 0.002%). This variant has not been reported in the literature in individuals affected with SMARCA4-related conditions. ClinVar contains an entry for this variant (Variation ID: 537796). Experimental studies and prediction algorithms are not available or were not evaluated, and the functional significance of this variant is currently unknown. In summary, the available evidence is currently insufficient to determine the role of this variant in disease. Therefore, it has been classified as a Variant of Uncertain Significance.

Ambry Genetics
Classification: Uncertain significance for Hereditary cancer-predisposing syndrome. Last evaluated: 2024-04-23. Review status: criteria provided, single submitter. Criteria: Ambry Variant Classification Scheme 2023. Collection method: clinical testing. Allele origin: germline.
Comment: The c.4792_4794delAAG variant (also known as p.K1598del) is located in coding exon 33 of the SMARCA4 gene. This variant results from an in-frame AAG deletion at nucleotide positions 4792 to 4794. This results in the in-frame deletion of a lysine at codon 1598. This amino acid position is highly conserved in available vertebrate species. In addition, the in silico prediction for this alteration is inconclusive (Choi Y et al. PLoS ONE. 2012; 7(10):e46688). This variant has been detected in multiple individuals with no reported features of Coffin-Siris syndrome (Ambry internal data). Based on the supporting evidence, the association of this alteration with rhabdoid tumor predisposition syndrome is unknown; however, the association of this alteration with Coffin-Siris syndrome is unlikely.

GeneDx
Classification: Uncertain significance. Last evaluated: 2023-06-01. Review status: criteria provided, single submitter. Criteria: GeneDx Variant Classification Process June 2021. Collection method: clinical testing. Allele origin: germline. Affected: yes.
Comment: In-frame deletion of 1 amino acid in a non-repeat region; In silico analysis supports a deleterious effect on protein structure/function; Has not been previously published as pathogenic or benign to our knowledge

Sema4
Classification: Uncertain significance for Hereditary cancer-predisposing syndrome. Last evaluated: 2021-10-29. Review status: criteria provided, single submitter. Criteria: Sema4 Curation Guidelines. Collection method: curation. Allele origin: germline.
Comment: The SMARCA4 c.4792_4794delAAG (p.K1598del) variant has not been reported in the literature to our knowledge. It was observed in 2/124188 chromosomes of the European (non-Finnish) subpopulation in the large and broad cohorts of the Genome Aggregation Database (PMID: 32461654), and has been reported in ClinVar (Variation ID 644519). The evidence is insufficient to meet ACMG/AMP criteria for classifying the variant as benign or pathogenic. Thus, the clinical significance of this variant is currently uncertain.

Genome-Nilou Lab
Classification: Uncertain significance for Intellectual disability, autosomal dominant 16. Last evaluated: 2021-07-15. Review status: criteria provided, single submitter. Criteria: ACMG Guidelines, 2015. Collection method: clinical testing. Allele origin: germline. Affected: no.